The following is an entry in ClinVar:

ClinVar aggregate classification (germline): Uncertain significance (1 of 4 stars; one submission).

gnomAD v4.1: 1 of 1,614,064 alleles (0.000062%); highest among the groups gnomAD compares: Non-Finnish European, 0.000085%; no homozygotes.

Submission:

Ambry Genetics
Classification: Uncertain significance. Last evaluated: 2025-06-26. Review status: criteria provided, single submitter. Criteria: Ambry Variant Classification Scheme 2023. Collection method: clinical testing. Allele origin: germline.
Comment: The p.H924D variant (also known as c.2770C>G), located in coding exon 1 of the TET2 gene, results from a C to G substitution at nucleotide position 2770. The histidine at codon 924 is replaced by aspartic acid, an amino acid with similar properties. This amino acid position is conserved. In addition, this alteration is predicted to be tolerated by in silico analysis. Based on the available evidence, the clinical significance of this variant remains unclear.

NM_001127208.3(TET2):c.2770C>G (p.His924Asp)

Genes: TET2 (tet methylcytosine dioxygenase 2; plus strand), TET2-AS1 (TET2 antisense RNA 1; minus strand). Cytogenetic location: 4q24.
Variant type: single nucleotide variant.
Coding change: c.2770C>G on transcript NM_001127208.3 (MANE Select); coding-DNA position 2770, C replaced by G.
Protein change: p.His924Asp; replaces histidine 924 with aspartic acid.
Molecular consequence: missense variant.
Genome position (GRCh38, 1-based): chr4:105,236,712, C>G. VCF-style: chr4-105236712-C-G. GRCh37 (hg19) VCF-style: chr4-106157869-C-G.
Other names: c.2770C>G, p.His924Asp (NM_017628.4); short protein forms H924D.
Identifiers: ClinVar variation 4182908 (VCV004182908.1).